The following is an entry in ClinVar:

NM_006393.3(NEBL):c.1546G>A (p.Glu516Lys)

Gene: NEBL (nebulette; minus strand). Cytogenetic location: 10p12.31.
Variant type: single nucleotide variant.
Coding change: c.1546G>A on transcript NM_006393.3 (MANE Select); coding-DNA position 1546, G replaced by A.
Protein change: p.Glu516Lys; replaces glutamic acid 516 with lysine.
Molecular consequence: missense variant. On other transcripts: intron variant (9).
Genome position (GRCh38, 1-based): chr10:20,831,487, C>T on the plus strand (G>A on the coding strand, the complement: NEBL is on the minus strand). VCF-style: chr10-20831487-C-T. GRCh37 (hg19) VCF-style: chr10-21120416-C-T.
Other names: c.250-18547G>A (NM_001377326.1, NM_001377327.1, NM_001377328.1); c.358-18547G>A (NM_213569.2, NM_001173484.2, NM_001377322.1); c.301-18547G>A (NM_001377324.1); c.292-18547G>A (NM_001377325.1); c.310-18547G>A (NM_001377323.1); short protein forms E516K.
Identifiers: ClinVar variation 240646 (VCV000240646.9), dbSNP rs45461595, ClinGen allele CA5432833.
Genomic context (GRCh38, chr10:20,831,487, plus strand): 5'-GATTCACGGCATTTATTTTAAACTTTGTATCTTGCTGCTGTCTTACCTGGCTGGCCATCT[C>T]GGATGCTTTCTTAGCTCTCTGGACATCAAGAGTGTCTGTGCTCACCTGCATCCCTTTCCC-3'
Protein context (NP_006384.1, residues 506-526): LDVQRAKKAS[Glu516Lys]MASQKQYKKD

ClinVar aggregate classification (germline): Uncertain significance (1 of 4 stars; one submission).

Conditions:
Primary dilated cardiomyopathy (DCM). Also called: Dilated Cardiomyopathy. Identifiers: Orphanet 217604, MedGen C0007193, MeSH D002311, MONDO:0005021, HP:0001644. Inheritance: Various modes of inheritance.

Allele frequency attached by ClinVar (database versions not stated): 1000 Genomes Project 0.00020; gnomAD 0.00001; gnomAD exomes 0.00002 and 0.00003; ExAC 0.00003; TOPMed 0.00003; 1000 Genomes Project 30x 0.00016.
gnomAD v4.1: 31 of 1,609,864 alleles (0.0019%); highest among the groups gnomAD compares: Middle Eastern, 0.017%; no homozygotes.

Submission:

Labcorp Genetics (formerly Invitae), Labcorp
Classification: Uncertain significance for Primary dilated cardiomyopathy. Last evaluated: 2024-10-30. Review status: criteria provided, single submitter. Criteria: Invitae Variant Classification Sherloc (09022015). Collection method: clinical testing. Allele origin: germline.
Comment: This sequence change replaces glutamic acid, which is acidic and polar, with lysine, which is basic and polar, at codon 516 of the NEBL protein (p.Glu516Lys). This variant is present in population databases (rs45461595, gnomAD 0.01%). This variant has not been reported in the literature in individuals affected with NEBL-related conditions. ClinVar contains an entry for this variant (Variation ID: 240646). An algorithm developed to predict the effect of missense changes on protein structure and function (PolyPhen-2) suggests that this variant is likely to be tolerated. In summary, the available evidence is currently insufficient to determine the role of this variant in disease. Therefore, it has been classified as a Variant of Uncertain Significance.